The following is an entry in ClinVar:

NM_138295.5(PKD1L1):c.957T>C (p.Ala319=)

Gene: PKD1L1 (polycystin 1 like 1, transient receptor potential channel interacting; minus strand). Cytogenetic location: 7p12.3.
Variant type: single nucleotide variant.
Coding change: c.957T>C on transcript NM_138295.5 (MANE Select); coding-DNA position 957, T replaced by C.
Protein change: p.Ala319=; no amino-acid change (alanine 319 retained).
Molecular consequence: synonymous variant.
Genome position (GRCh38, 1-based): chr7:47,929,307, A>G on the plus strand (T>C on the coding strand, the complement: PKD1L1 is on the minus strand). VCF-style: chr7-47929307-A-G. GRCh37 (hg19) VCF-style: chr7-47968904-A-G.
Identifiers: ClinVar variation 5002035 (VCV005002035.1).

ClinVar aggregate classification (germline): Likely benign (1 of 4 stars; one submission).

Conditions:
PKD1L1-related disorder. Also called: PKD1L1-related condition.

Submission:

PreventionGenetics, part of Exact Sciences
Classification: Likely benign for PKD1L1-related condition. Last evaluated: 2025-04-08. Review status: criteria provided, single submitter. Criteria: ACMG Guidelines, 2015. Collection method: clinical testing. Allele origin: germline.
Comment: This variant is classified as likely benign based on ACMG/AMP sequence variant interpretation guidelines (Richards et al. 2015 PMID: 25741868, with internal and published modifications).